The following is an entry in ClinVar:

ClinVar aggregate classification (germline): Uncertain significance (1 of 4 stars; one submission).

gnomAD v4.1: 18 of 1,613,854 alleles (0.0011%); highest among the groups gnomAD compares: Non-Finnish European, 0.0014%; no homozygotes.

Submission:

Labcorp Genetics (formerly Invitae), Labcorp
Classification: Uncertain significance. Last evaluated: 2024-09-09. Review status: criteria provided, single submitter. Criteria: Invitae Variant Classification Sherloc (09022015). Collection method: clinical testing. Allele origin: germline.
Comment: This sequence change replaces serine, which is neutral and polar, with glycine, which is neutral and non-polar, at codon 114 of the ACAN protein (p.Ser114Gly). This variant is not present in population databases (gnomAD no frequency). This variant has not been reported in the literature in individuals affected with ACAN-related conditions. Invitae Evidence Modeling of protein sequence and biophysical properties (such as structural, functional, and spatial information, amino acid conservation, physicochemical variation, residue mobility, and thermodynamic stability) indicates that this missense variant is not expected to disrupt ACAN protein function with a negative predictive value of 80%. In summary, the available evidence is currently insufficient to determine the role of this variant in disease. Therefore, it has been classified as a Variant of Uncertain Significance.

NM_001369268.1(ACAN):c.340A>G (p.Ser114Gly)

Gene: ACAN (aggrecan; plus strand). Cytogenetic location: 15q26.1.
Variant type: single nucleotide variant.
Coding change: c.340A>G on transcript NM_001369268.1 (MANE Select); coding-DNA position 340, A replaced by G.
Protein change: p.Ser114Gly; replaces serine 114 with glycine.
Molecular consequence: missense variant.
Genome position (GRCh38, 1-based): chr15:88,838,932, A>G. VCF-style: chr15-88838932-A-G. GRCh37 (hg19) VCF-style: chr15-89382163-A-G.
Other names: c.340A>G, p.Ser114Gly (NM_001135.4, NM_001411096.1, NM_001411097.1 and 1 more transcripts); short protein forms S114G.
Identifiers: ClinVar variation 3680907 (VCV003680907.2).